The following is an entry in ClinVar:

NM_017636.4(TRPM4):c.1939C>A (p.Pro647Thr)

Gene: TRPM4 (transient receptor potential cation channel subfamily M member 4; plus strand). Cytogenetic location: 19q13.33.
Variant type: single nucleotide variant.
Coding change: c.1939C>A on transcript NM_017636.4 (MANE Select); coding-DNA position 1939, C replaced by A.
Protein change: p.Pro647Thr; replaces proline 647 with threonine.
Molecular consequence: missense variant.
Genome position (GRCh38, 1-based): chr19:49,189,011, C>A. VCF-style: chr19-49189011-C-A. GRCh37 (hg19) VCF-style: chr19-49692268-C-A.
Other names: c.1939C>A, p.Pro647Thr (NM_001195227.2); c.1594C>A, p.Pro532Thr (NM_001321281.2); c.331C>A, p.Pro111Thr (NM_001321282.2); c.1417C>A, p.Pro473Thr (NM_001321283.2); c.877C>A, p.Pro293Thr (NM_001321285.2); short protein forms P532T, P647T, P293T, P111T, P473T.
Identifiers: ClinVar variation 4615274 (VCV004615274.1).

ClinVar aggregate classification (germline): Uncertain significance (1 of 4 stars; one submission).

Conditions:
Cardiovascular phenotype. Identifiers: MedGen CN230736.

Submission:

Ambry Genetics
Classification: Uncertain significance for Cardiovascular phenotype. Last evaluated: 2025-11-07. Review status: criteria provided, single submitter. Criteria: Ambry Variant Classification Scheme 2023. Collection method: clinical testing. Allele origin: germline.
Comment: The p.P647T variant (also known as c.1939C>A), located in coding exon 14 of the TRPM4 gene, results from a C to A substitution at nucleotide position 1939. The proline at codon 647 is replaced by threonine, an amino acid with highly similar properties. This amino acid position is conserved. In addition, this alteration is predicted to be tolerated by in silico analysis. Based on the available evidence, the clinical significance of this variant remains unclear.